The following is an entry in ClinVar:

ClinVar aggregate classification (germline): Uncertain significance. Review status: criteria provided, multiple submitters, no conflicts (2 of 4 stars). 2 submissions from 2 submitters: Uncertain significance (2). Last evaluated 2024-12-25.

Allele frequency attached by ClinVar (database versions not stated): TOPMed 0.00003; gnomAD 0.00004; ExAC 0.00006.
gnomAD v4.1: 81 of 1,519,412 alleles (0.0053%); highest among the groups gnomAD compares: Admixed American, 0.012%; no homozygotes.

Submissions (2):

Labcorp Genetics (formerly Invitae), Labcorp
Classification: Uncertain significance. Last evaluated: 2024-12-25. Review status: criteria provided, single submitter. Criteria: Invitae Variant Classification Sherloc (09022015). Collection method: clinical testing. Allele origin: germline.
Comment: This sequence change replaces alanine, which is neutral and non-polar, with threonine, which is neutral and polar, at codon 39 of the DGKZ protein (p.Ala39Thr). The frequency data for this variant in the population databases is considered unreliable, as metrics indicate poor data quality at this position in the gnomAD database. This variant has not been reported in the literature in individuals affected with DGKZ-related conditions. ClinVar contains an entry for this variant (Variation ID: 3081986). An algorithm developed to predict the effect of missense changes on protein structure and function (PolyPhen-2) suggests that this variant is likely to be tolerated. In summary, the available evidence is currently insufficient to determine the role of this variant in disease. Therefore, it has been classified as a Variant of Uncertain Significance.

Ambry Genetics
Classification: Uncertain significance. Last evaluated: 2023-12-09. Review status: criteria provided, single submitter. Criteria: Ambry Variant Classification Scheme 2023. Collection method: clinical testing. Allele origin: germline.

NM_001199267.2(DGKZ):c.162-920G>A

Gene: DGKZ (diacylglycerol kinase zeta; plus strand). Cytogenetic location: 11p11.2.
Variant type: single nucleotide variant.
Coding change: c.162-920G>A on transcript NM_001199267.2 (MANE Select); 920 bases into the intron before coding-DNA position 162, G replaced by A.
Molecular consequence: intron variant. On other transcripts: missense variant (1).
Genome position (GRCh38, 1-based): chr11:46,366,371, G>A. VCF-style: chr11-46366371-G-A. GRCh37 (hg19) VCF-style: chr11-46387921-G-A.
Other names: c.115G>A, p.Ala39Thr (NM_001105540.2); c.213-920G>A (NM_201532.3); c.177-920G>A (NM_201533.3); c.162-920G>A (NM_001199266.2, NM_003646.4, NM_001199268.2); short protein forms A39T.
Identifiers: ClinVar variation 3081986 (VCV003081986.3), dbSNP rs762586923, ClinGen allele CA5962080.